The following is an entry in ClinVar:

ClinVar aggregate classification (germline): Conflicting classifications of pathogenicity. Review status: criteria provided, conflicting classifications (1 of 4 stars). 15 submissions from 15 submitters: Pathogenic (1); Likely pathogenic (7); Uncertain significance (7). Last evaluated 2026-08-31.

Conditions:
CFTR-related disorder (CFTR-RD). Also called: CFTR-related disorders; CFTR-related condition. Identifiers: MedGen C5924204, MONDO:7770004.
Congenital bilateral aplasia of vas deferens from CFTR mutation (CBAVD). Identifiers: Orphanet 48, MedGen C0403814, MONDO:0010178, OMIM 277180. Disease mechanism: loss of function.
Cystic fibrosis (CF). Also called: MUCOVISCIDOSIS. Identifiers: Orphanet 586, MedGen C0010674, MONDO:0009061, OMIM 219700. Disease mechanism: loss of function.
Bronchiectasis with or without elevated sweat chloride 1 (BESC1). Also called: Cystic Fibrosis-Like Syndrome. Identifiers: Orphanet 60033, MedGen C2749757, MONDO:0008887, OMIM 211400.
Hereditary pancreatitis (PCTT). Also called: Hereditary chronic pancreatitis; PRSS1-Related Hereditary Pancreatitis. Identifiers: Orphanet 676, MedGen C0238339, MONDO:0008185, OMIM 167800.

Allele frequency attached by ClinVar (database versions not stated): gnomAD 0.00007 and 0.00008; 1000 Genomes Project 30x 0.00016; TOPMed 0.00018; 1000 Genomes Project 0.00020; gnomAD exomes 0.00041; ExAC 0.00047.
gnomAD v4.1: 137 of 1,613,830 alleles (0.0085%); highest among the groups gnomAD compares: Admixed American, 0.19%; no homozygotes.

Submissions 1 to 4 of 15:

PreventionGenetics, part of Exact Sciences
Classification: Uncertain significance for CFTR-related condition. Last evaluated: 2026-08-31. Review status: criteria provided, single submitter. Criteria: ACMG Guidelines, 2015. Collection method: clinical testing. Allele origin: germline.
Comment: The CFTR c.1054C>T variant is predicted to result in the amino acid substitution p.Arg352Trp. This variant has been reported in individuals with CFTR-related disorders or who had abnormal newborn screening for cystic fibrosis, and several of these individuals carried a second pathogenic variant in CFTR (see, for example: Schrijver et al. 2005. PubMed ID: 15858154; Picci et al. 2010. PubMed ID: 19897426; Castellani et al. 2017. PubMed ID: 26755536). In one individual, this variant was reported as part of a complex allele with c.2249C>T (in cis) and in trans with c.1521_1523del (McGinniss et al. 2005. PubMed ID: 16189704). In vitro experimental studies indicate this variant impacts protein function (Bihler et al. 2024. PubMed ID: 38388235). This variant is reported in 0.30% of alleles in individuals of Latino descent in gnomAD. Another missense variant affecting the same amino acid (p.Arg352Gln) has been reported in individuals with cystic fibrosis (Cremonesi et al. 1992. PubMed ID: 1284538). At this time, the clinical significance of this variant is uncertain due to the absence of conclusive functional and genetic evidence.

Women's Health and Genetics/Laboratory Corporation of America, LabCorp
Classification: Likely pathogenic for Cystic fibrosis. Last evaluated: 2026-06-23. Review status: criteria provided, single submitter. Criteria: LabCorp Variant Classification Summary - May 2015. Collection method: clinical testing. Allele origin: germline.
Comment: Variant summary: CFTR c.1054C>T (p.Arg352Trp) results in a non-conservative amino acid change located in the first transmembrane domain (IPR011527) of the encoded protein sequence. Five of five in-silico tools predict a damaging effect of the variant on protein function. The variant allele was found at a frequency of 0.00041 in 251136 control chromosomes, predominantly at a frequency of 0.003 within the Latino subpopulation in the gnomAD database. This frequency is not significantly higher than estimated for a pathogenic variant in CFTR causing CFTR-Related Diseases (0.00041 vs 0.013), allowing no conclusion about variant significance. c.1054C>T has been reported in the literature in both asymptomatic individuals and subjects diagnosed with multiple CFTR-related phenotypes, ranging from congenital bilateral absence of the vas deferens (CBAVD) to cystic fibrosis (CF). The variant has been reported in compound heterozygosity with the severe pathogenic variant p.Phe508del in individuals diagnosed with CBAVD (e.g. Schwarz_2009, Picci_2010) and in patients followed after a positive newborn screening test, but whom did not meet diagnostic criteria for a diagnosis of CF (e.g. Lilley_2010, Catellani_2016). These data suggest that the variant could be a "mild" mutation, which when combined with a more severe mutation can contribute to less severe CFTR-related phenotypes. c.1054C>T has also been reported in multiple CF patients, however without a second pathogenic variant and/or other clinical details available (e.g. Kavanakis_2003, Schrijver_2005, Ciminelli_2007, Giusti_2007, Kharazzi_2015, Salinas_2023, Kozawa_2023). These data indicate that the variant may be associated with disease. At least one publication reports experimental evidence evaluating an impact on protein function. The most pronounced variant effect resulted in approximately (Gt channel conductance) 5.38% of normal chloride channel conductance relative to wild type (e.g. Bihler_2024). A different amino acid substitution at this residue, p.Arg352Gln, has been classified by our laboratory as pathogenic, supporting the critical relevance of codon 352 to CFTR function. The CFTR2 database reports that this variant has varying consequences and that when combined with another CF-causing variant, some patients have CF, while others do not. The following publications have been ascertained in the context of this evaluation (PMID: 21228398, 38388235, 26755536, 11504857, 16784904, 18421494, 17272608, 10220340, 12752573, 26574590, 22043142, 25880441, 30888834, 16189704, 19897426, 29805046, 36409994, 15858154, 37217688). ClinVar contains an entry for this variant (Variation ID: 35816). Based on the evidence outlined above, the variant was classified as likely pathogenic.

CeGaT Center for Human Genetics Tuebingen
Classification: Pathogenic. Last evaluated: 2026-05-01. Review status: criteria provided, single submitter. Criteria: CeGaT Center For Human Genetics Tuebingen Variant Classification Criteria Version 2. Collection method: clinical testing. Allele origin: germline. Affected: yes. Observed: 2 variant alleles.
Comment: CFTR: PM3:Very Strong, PM1, PM5, PM2:Supporting, PP3, PS3:Supporting

Labcorp Genetics (formerly Invitae), Labcorp
Classification: Likely pathogenic for Cystic fibrosis. Last evaluated: 2026-01-13. Review status: criteria provided, single submitter. Criteria: Invitae Variant Classification Sherloc (09022015). Collection method: clinical testing. Allele origin: germline.
Comment: This sequence change replaces arginine, which is basic and polar, with tryptophan, which is neutral and slightly polar, at codon 352 of the CFTR protein (p.Arg352Trp). This variant is present in population databases (rs193922497, gnomAD 0.3%). This missense change has been observed in individuals with CFTR-related conditions with variable clinical presentation and may represent a mild allele (PMID: 19897426, 26574590; internal data). This variant has been reported in individuals with elevated sweat chloride and variable presentation ranging from asymptomatic to individuals with congenital bilateral absence of the vas deferens (CBAVD) and/or cystic fibrosis (CF) and may represent a mild allele. ClinVar contains an entry for this variant (Variation ID: 35816). Invitae Evidence Modeling of protein sequence and biophysical properties (such as structural, functional, and spatial information, amino acid conservation, physicochemical variation, residue mobility, and thermodynamic stability) indicates that this missense variant is expected to disrupt CFTR protein function with a positive predictive value of 80%. This variant disrupts the p.Arg352 amino acid residue in CFTR. Other variant(s) that disrupt this residue have been determined to be pathogenic (PMID: 7544319, 20522854, 27086061, 28646244). This suggests that this residue is clinically significant, and that variants that disrupt this residue are likely to be disease-causing. In summary, the currently available evidence indicates that the variant is pathogenic, but additional data are needed to prove that conclusively. Therefore, this variant has been classified as Likely Pathogenic.

NM_000492.4(CFTR):c.1054C>T (p.Arg352Trp)

Gene: CFTR (CF transmembrane conductance regulator; plus strand). Cytogenetic location: 7q31.2.
Variant type: single nucleotide variant.
Coding change: c.1054C>T on transcript NM_000492.4 (MANE Select); coding-DNA position 1054, C replaced by T.
Protein change: p.Arg352Trp; replaces arginine 352 with tryptophan.
Molecular consequence: missense variant.
Genome position (GRCh38, 1-based): chr7:117,540,284, C>T. VCF-style: chr7-117540284-C-T. GRCh37 (hg19) VCF-style: chr7-117180338-C-T.
Other names: short protein forms R352W.
Identifiers: ClinVar variation 35816 (VCV000035816.61), dbSNP rs193922497, ClinGen allele CA325686.
Genomic context (GRCh38, chr7:117,540,284, plus strand): 5'-ATCCTCCGGAAAATATTCACCACCATCTCATTCTGCATTGTTCTGCGCATGGCGGTCACT[C>T]GGCAATTTCCCTGGGCTGTACAAACATGGTATGACTCTCTTGGAGCAATAAACAAAATAC-3'
Protein context (NP_000483.3, residues 342-362): FCIVLRMAVT[Arg352Trp]QFPWAVQTWY